The following is an entry in ClinVar:

ClinVar aggregate classification (germline): Uncertain significance (1 of 4 stars; one submission).

Conditions:
Lethal multiple pterygium syndrome (LMPS). Identifiers: Orphanet 33108, MedGen C1854678, MONDO:0009668, OMIM 253290.

Allele frequency attached by ClinVar (database versions not stated): gnomAD exomes below 0.00001; ExAC 0.00001.

Submission:

Labcorp Genetics (formerly Invitae), Labcorp
Classification: Uncertain significance for Lethal multiple pterygium syndrome. Last evaluated: 2022-06-10. Review status: criteria provided, single submitter. Criteria: Invitae Variant Classification Sherloc (09022015). Collection method: clinical testing. Allele origin: germline.
Comment: Variants that disrupt the consensus splice site are a relatively common cause of aberrant splicing (PMID: 17576681, 9536098). Algorithms developed to predict the effect of sequence changes on RNA splicing suggest that this variant is not likely to affect RNA splicing. This sequence change falls in intron 6 of the CHRNA1 gene. It does not directly change the encoded amino acid sequence of the CHRNA1 protein. It affects a nucleotide within the consensus splice site. This variant is present in population databases (rs745821257, gnomAD 0.006%). This variant has not been reported in the literature in individuals affected with CHRNA1-related conditions. In summary, the available evidence is currently insufficient to determine the role of this variant in disease. Therefore, it has been classified as a Variant of Uncertain Significance.

Literature cited by the submitters: PubMed 17576681; PubMed 9536098.

NM_000079.4(CHRNA1):c.778+4G>T

Gene: CHRNA1 (cholinergic receptor nicotinic alpha 1 subunit; minus strand). Cytogenetic location: 2q31.1.
Variant type: single nucleotide variant.
Coding change: c.778+4G>T on transcript NM_000079.4 (MANE Select); 4 bases into the intron after coding-DNA position 778, G replaced by T.
Molecular consequence: intron variant.
Genome position (GRCh38, 1-based): chr2:174,753,499, C>A on the plus strand (G>T on the coding strand, the complement: CHRNA1 is on the minus strand). VCF-style: chr2-174753499-C-A. GRCh37 (hg19) VCF-style: chr2-175618227-C-A.
Other names: c.853+4G>T (NM_001039523.3).
Identifiers: ClinVar variation 2167942 (VCV002167942.4), dbSNP rs745821257, ClinGen allele CA1974479.